The following is an entry in ClinVar:

NM_207118.3(GTF2H5):c.167G>A (p.Arg56Gln)

Gene: GTF2H5 (general transcription factor IIH subunit 5; plus strand). Cytogenetic location: 6q25.3.
Variant type: single nucleotide variant.
Coding change: c.167G>A on transcript NM_207118.3 (MANE Select); coding-DNA position 167, G replaced by A.
Protein change: p.Arg56Gln; replaces arginine 56 with glutamine.
Molecular consequence: missense variant.
Genome position (GRCh38, 1-based): chr6:158,192,108, G>A. VCF-style: chr6-158192108-G-A. GRCh37 (hg19) VCF-style: chr6-158613140-G-A.
Other names: c.167G>A (NM_207118.2); short protein forms R56Q.
Identifiers: ClinVar variation 1050091 (VCV001050091.7), dbSNP rs181096841, ClinGen allele CA4071616.

ClinVar aggregate classification (germline): Uncertain significance. Review status: criteria provided, multiple submitters, no conflicts (2 of 4 stars). 4 submissions from 4 submitters: Uncertain significance (3). 1 of the submissions does not count toward it. Last evaluated 2024-11-26.

Conditions:
Inborn genetic diseases. Identifiers: MedGen C0950123, MeSH D030342.
Trichothiodystrophy 3, photosensitive (TTD3). Also called: Trichothiodystrophy, complementation group A. Identifiers: Orphanet 33364, MedGen C4017171, MONDO:0014619, OMIM 616395.

Allele frequency attached by ClinVar (database versions not stated): ESP Exome Variant Server 0.00015; 1000 Genomes Project 0.00020; gnomAD exomes 0.00025; gnomAD 0.00027 and 0.00028; ExAC 0.00029; TOPMed 0.00029; 1000 Genomes Project 30x 0.00031.
gnomAD v4.1: 634 of 1,613,774 alleles (0.039%); highest among the groups gnomAD compares: Non-Finnish European, 0.047%; 1 homozygote.

Submissions (4):

Ambry Genetics
Classification: Uncertain significance for Inborn genetic diseases. Last evaluated: 2024-11-26. Review status: criteria provided, single submitter. Criteria: Ambry Variant Classification Scheme 2023. Collection method: clinical testing. Allele origin: germline.

Labcorp Genetics (formerly Invitae), Labcorp
Classification: Uncertain significance. Last evaluated: 2022-10-18. Review status: criteria provided, single submitter. Criteria: Invitae Variant Classification Sherloc (09022015). Collection method: clinical testing. Allele origin: germline.
Comment: This sequence change replaces arginine, which is basic and polar, with glutamine, which is neutral and polar, at codon 56 of the GTF2H5 protein (p.Arg56Gln). This variant is present in population databases (rs181096841, gnomAD 0.05%). This variant has not been reported in the literature in individuals affected with GTF2H5-related conditions. ClinVar contains an entry for this variant (Variation ID: 1050091). Algorithms developed to predict the effect of missense changes on protein structure and function are either unavailable or do not agree on the potential impact of this missense change (SIFT: "Deleterious"; PolyPhen-2: "Benign"; Align-GVGD: "Class C0"). Algorithms developed to predict the effect of sequence changes on RNA splicing suggest that this variant may create or strengthen a splice site. In summary, the available evidence is currently insufficient to determine the role of this variant in disease. Therefore, it has been classified as a Variant of Uncertain Significance.

Fulgent Genetics
Classification: Uncertain significance for Trichothiodystrophy 3, photosensitive. Last evaluated: 2022-04-14. Review status: criteria provided, single submitter. Criteria: ACMG Guidelines, 2015. Collection method: clinical testing. Allele origin: unknown.

Department of Pathology and Laboratory Medicine, Sinai Health System
Classification: Uncertain significance. Review status: no assertion criteria provided. Collection method: clinical testing. Allele origin: unknown. Affected: yes. Study: The Canadian Open Genetics Repository (COGR). Not counted in ClinVar's aggregate classification.
Comment: The GTF2H5 p.Arg56Gln variant was not identified in the literature nor was it identified in ClinVar. The variant was identified in dbSNP (ID: rs181096841) and in control databases in 71 of 282812 chromosomes at a frequency of 0.0002511 (Genome Aggregation Database March 6, 2019, v2.1.1). The variant was observed in the following populations: South Asian in 15 of 30616 chromosomes (freq: 0.00049), European (non-Finnish) in 46 of 129132 chromosomes (freq: 0.000356), African in 7 of 24970 chromosomes (freq: 0.00028) and Latino in 3 of 35436 chromosomes (freq: 0.000085), but was not observed in the Ashkenazi Jewish, East Asian, European (Finnish), or Other populations. The p.Arg56 residue is conserved in mammals and computational analyses (PolyPhen-2, SIFT, AlignGVGD, BLOSUM, MutationTaster) provide inconsistent predictions regarding the impact to the protein; this information is not very predictive of pathogenicity. The variant occurs outside of the splicing consensus sequence and two of four in silico or computational prediction software programs (SpliceSiteFinder, MaxEntScan, NNSPLICE, GeneSplicer) predict a greater than 10% difference in splicing; this is not very predictive of pathogenicity. In summary, based on the above information the clinical significance of this variant cannot be determined with certainty at this time. This variant is classified as a variant of uncertain significance.